The following is an entry in ClinVar:

ClinVar aggregate classification (germline): Uncertain significance. Review status: criteria provided, multiple submitters, no conflicts (2 of 4 stars). 2 submissions from 2 submitters: Uncertain significance (2). Last evaluated 2024-11-05.

Conditions:
Nail-patella syndrome (NPS). Also called: ONYCHOOSTEODYSPLASIA; TURNER-KIESER SYNDROME; FONG DISEASE. Identifiers: Orphanet 2614, MedGen C0027341, MONDO:0008061, OMIM 161200.
Nail-patella-like renal disease. Also called: GLOMERULAR BASEMENT MEMBRANE DISEASE, NAIL-PATELLA SYNDROME TYPE; Focal Segmental Glomerulosclerosis 10. Identifiers: Orphanet 2613, MedGen C0403548, MONDO:0009724, OMIM 256020.

Allele frequency attached by ClinVar (database versions not stated): gnomAD exomes below 0.00001.
gnomAD v4.1: 6 of 1,611,652 alleles (0.00037%); highest among the groups gnomAD compares: Non-Finnish European, 0.00034%; no homozygotes.

Submissions (2):

Labcorp Genetics (formerly Invitae), Labcorp
Classification: Uncertain significance. Last evaluated: 2024-11-05. Review status: criteria provided, single submitter. Criteria: Invitae Variant Classification Sherloc (09022015). Collection method: clinical testing. Allele origin: germline.
Comment: This sequence change replaces glutamic acid, which is acidic and polar, with aspartic acid, which is acidic and polar, at codon 79 of the LMX1B protein (p.Glu79Asp). This variant is not present in population databases (gnomAD no frequency). This missense change has been observed in individual(s) with chronic kidney disease (PMID: 36134775). ClinVar contains an entry for this variant (Variation ID: 1522456). Invitae Evidence Modeling of protein sequence and biophysical properties (such as structural, functional, and spatial information, amino acid conservation, physicochemical variation, residue mobility, and thermodynamic stability) indicates that this missense variant is not expected to disrupt LMX1B protein function with a negative predictive value of 80%. In summary, the available evidence is currently insufficient to determine the role of this variant in disease. Therefore, it has been classified as a Variant of Uncertain Significance.

Fulgent Genetics
Classification: Uncertain significance for Nail-patella syndrome; Nail-patella-like renal disease. Last evaluated: 2024-05-11. Review status: criteria provided, single submitter. Criteria: ACMG Guidelines, 2015. Collection method: clinical testing. Allele origin: germline.

Literature cited by the submitters: PubMed 36134775 (cited by Labcorp Genetics (formerly Invitae), Labcorp).

NM_001174147.2(LMX1B):c.237G>T (p.Glu79Asp)

Gene: LMX1B (LIM homeobox transcription factor 1 beta; plus strand). Cytogenetic location: 9q33.3.
Variant type: single nucleotide variant.
Coding change: c.237G>T on transcript NM_001174147.2 (MANE Select); coding-DNA position 237, G replaced by T.
Protein change: p.Glu79Asp; replaces glutamic acid 79 with aspartic acid.
Molecular consequence: missense variant.
Genome position (GRCh38, 1-based): chr9:126,615,480, G>T. VCF-style: chr9-126615480-G-T. GRCh37 (hg19) VCF-style: chr9-129377759-G-T.
Other names: c.237G>T, p.Glu79Asp (NM_001174146.2, NM_002316.4); short protein forms E79D.
Identifiers: ClinVar variation 1522456 (VCV001522456.8), dbSNP rs2118823518, ClinGen allele CA374910054.
Genomic context (GRCh38, chr9:126,615,480, plus strand): 5'-CCAGCGGCCCATCTCCGACCGCTTCCTGATGCGAGTCAACGAGTCGTCCTGGCACGAGGA[G>T]TGTTTGCAGTGCGCGGCGTGTCAGCAAGCCCTCACCACCAGCTGCTACTTCCGGGATCGG-3'
Protein context (NP_001167618.1, residues 69-89): MRVNESSWHE[Glu79Asp]CLQCAACQQA